The following is an entry in ClinVar:

NM_001182.5(ALDH7A1):c.312+1G>A

Gene: ALDH7A1 (aldehyde dehydrogenase 7 family member A1; minus strand). Cytogenetic location: 5q23.2.
Variant type: single nucleotide variant.
Coding change: c.312+1G>A on transcript NM_001182.5 (MANE Select); the canonical splice donor site of the intron after coding-DNA position 312, G replaced by A.
Molecular consequence: splice donor variant.
Genome position (GRCh38, 1-based): chr5:126,592,663, C>T on the plus strand (G>A on the coding strand, the complement: ALDH7A1 is on the minus strand). VCF-style: chr5-126592663-C-T. GRCh37 (hg19) VCF-style: chr5-125928355-C-T.
Other names: c.312+1G>A (NM_001202404.2); c.228+1G>A (NM_001201377.2).
Identifiers: ClinVar variation 265384 (VCV000265384.16), dbSNP rs199497486, ClinGen allele CA3389815.

ClinVar aggregate classification (germline): Pathogenic/Likely pathogenic. Review status: criteria provided, multiple submitters, no conflicts (2 of 4 stars). 7 submissions from 7 submitters: Pathogenic (5); Likely pathogenic (2). Last evaluated 2025-12-08.

Conditions:
ALDH7A1-related disorder. Also called: ALDH7A1-related condition.
Pyridoxine-dependent epilepsy (EPEO4). Also called: Pyridoxine-Dependent Epilepsy - ALDH7A1; Pyridoxine-Dependent Seizures; PYRIDOXINE DEPENDENCY WITH SEIZURES; EPILEPSY, EARLY-ONSET, 4, VITAMIN B6-DEPENDENT. Identifiers: Orphanet 3006, MedGen C1849508, MONDO:0009945, OMIM 266100. Disease mechanism: loss of function.
Neonatal seizure. Also called: neonatal seizures. Identifiers: MedGen C0159020, HP:0032807.

Allele frequency attached by ClinVar (database versions not stated): gnomAD exomes 0.00003; TOPMed below 0.00001; ExAC 0.00001; gnomAD 0.00001.
gnomAD v4.1: 39 of 1,613,592 alleles (0.0024%); highest among the groups gnomAD compares: South Asian, 0.0099%; no homozygotes.

Submissions (7):

Labcorp Genetics (formerly Invitae), Labcorp
Classification: Pathogenic for Pyridoxine-dependent epilepsy. Last evaluated: 2025-12-08. Review status: criteria provided, single submitter. Criteria: Invitae Variant Classification Sherloc (09022015). Collection method: clinical testing. Allele origin: germline.
Comment: This sequence change affects a donor splice site in intron 3 of the ALDH7A1 gene. It is expected to disrupt RNA splicing. Variants that disrupt the donor or acceptor splice site typically lead to a loss of protein function (PMID: 16199547), and loss-of-function variants in ALDH7A1 are known to be pathogenic (PMID: 16491085, 20554659). This variant is present in population databases (rs199497486, gnomAD 0.02%). Disruption of this splice site has been observed in individual(s) with pyridoxine-dependent epilepsy (PMID: 21733724). It has also been observed to segregate with disease in related individuals. This variant is also known as c.311+1G>A. ClinVar contains an entry for this variant (Variation ID: 265384). Algorithms developed to predict the effect of sequence changes on RNA splicing suggest that this variant may disrupt the consensus splice site. For these reasons, this variant has been classified as Pathogenic.

Intergen Genetics and Rare Diseases Diagnosis Center
Classification: Pathogenic for Pyridoxine-dependent epilepsy. Last evaluated: 2025-12-01. Review status: criteria provided, single submitter. Criteria: ACMG Guidelines, 2015. Collection method: clinical testing. Allele origin: germline. Inheritance: Autosomal recessive inheritance. Affected: yes.
Comment: Variant is absent in population databases (gnomAD). Previously reported in affected individuals. Predicted loss-of-function in a gene with established LoF mechanism. ACMG criteria: PVS1, PM3, PM2.

Fulgent Genetics
Classification: Pathogenic for Pyridoxine-dependent epilepsy. Last evaluated: 2024-03-06. Review status: criteria provided, single submitter. Criteria: ACMG Guidelines, 2015. Collection method: clinical testing. Allele origin: germline.

Genome-Nilou Lab
Classification: Likely pathogenic for Pyridoxine-dependent epilepsy. Last evaluated: 2023-04-11. Review status: criteria provided, single submitter. Criteria: ACMG Guidelines, 2015. Collection method: clinical testing. Allele origin: germline. Affected: no.

Blueprint Genetics
Classification: Pathogenic for ALDH7A1-related disorders. Last evaluated: 2022-10-05. Review status: criteria provided, single submitter. Criteria: ACMG Guidelines, 2015. Collection method: clinical testing. Allele origin: germline. Affected: yes. Observed: 3 variant alleles.

GeneDx
Classification: Likely pathogenic. Last evaluated: 2020-08-11. Review status: criteria provided, single submitter. Criteria: GeneDx Variant Classification Process June 2021. Collection method: clinical testing. Allele origin: germline. Affected: yes.
Comment: Canonical splice site variant expected to result in aberrant splicing, although in the absence of functional evidence the actual effect of this sequence change is unknown.; This variant is associated with the following publications: (PMID: 25525159, 21733724, 30043187)

Clinical Molecular Genetics Laboratory, Johns Hopkins All Children's Hospital
Classification: Pathogenic for neonatal seizures. Last evaluated: 2017-06-15. Review status: criteria provided, single submitter. Criteria: ACMG Guidelines, 2015. Collection method: clinical testing. Allele origin: germline. Affected: yes.

Literature cited by the submitters: PubMed 16199547 (cited by Labcorp Genetics (formerly Invitae), Labcorp); PubMed 16491085 (cited by Labcorp Genetics (formerly Invitae), Labcorp); PubMed 20554659 (cited by Labcorp Genetics (formerly Invitae), Labcorp); PubMed 21733724 (cited by Labcorp Genetics (formerly Invitae), Labcorp); PubMed 36471706 (cited by Intergen Genetics and Rare Diseases Diagnosis Center).